The following is an entry in ClinVar:

ClinVar aggregate classification (germline): Uncertain significance (1 of 4 stars; one submission).

Conditions:
Hereditary cancer-predisposing syndrome. Also called: Neoplastic Syndromes, Hereditary; Tumor predisposition; Hereditary neoplastic syndrome; Hereditary Cancer Syndrome. Identifiers: Orphanet 140162, MedGen C0027672, MeSH D009386, MONDO:0015356.

Submission:

Ambry Genetics
Classification: Uncertain significance for Hereditary cancer-predisposing syndrome. Last evaluated: 2026-07-10. Review status: criteria provided, single submitter. Criteria: Ambry Variant Classification Scheme 2023. Collection method: clinical testing. Allele origin: germline.
Comment: The p.Y809F variant (also known as c.2426A>T), located in coding exon 14 of the RET gene, results from an A to T substitution at nucleotide position 2426. The tyrosine at codon 809 is replaced by phenylalanine, an amino acid with highly similar properties. This amino acid position is highly conserved in available vertebrate species. In addition, the in silico prediction for this alteration is inconclusive. Based on the available evidence, the clinical significance of this variant remains unclear.

NM_020975.6(RET):c.2426A>T (p.Tyr809Phe)

Gene: RET (ret proto-oncogene; plus strand). Cytogenetic location: 10q11.21.
Variant type: single nucleotide variant.
Coding change: c.2426A>T on transcript NM_020975.6 (MANE Select); coding-DNA position 2426, A replaced by T.
Protein change: p.Tyr809Phe; replaces tyrosine 809 with phenylalanine.
Molecular consequence: missense variant.
Genome position (GRCh38, 1-based): chr10:43,119,564, A>T. VCF-style: chr10-43119564-A-T. GRCh37 (hg19) VCF-style: chr10-43615012-A-T.
Other names: c.1664A>T, p.Tyr555Phe (NM_001355216.2); c.2138A>T, p.Tyr713Phe (NM_001406766.1, NM_001406767.1, NM_001406770.1); c.2162A>T, p.Tyr721Phe (NM_001406768.1); c.2030A>T, p.Tyr677Phe (NM_001406769.1, NM_001406772.1); c.2426A>T, p.Tyr809Phe (NM_001406743.1, NM_001406744.1, NM_001406759.1 and 2 more transcripts); c.2297A>T, p.Tyr766Phe (NM_001406761.1, NM_001406762.1, NM_001406764.1); c.2291A>T, p.Tyr764Phe (NM_001406763.1, NM_001406765.1); c.1700A>T, p.Tyr567Phe (NM_001406776.1, NM_001406777.1, NM_001406778.1 and 1 more transcripts); and 10 more; short protein forms Y414F, Y470F, Y567F, Y663F, Y677F, Y326F, Y374F, Y467F.
Identifiers: ClinVar variation 5028185 (VCV005028185.1).